The following is an entry in ClinVar:

ClinVar aggregate classification (germline): Uncertain significance. Review status: criteria provided, single submitter (1 of 4 stars). 2 submissions from 2 submitters: Uncertain significance (1). 1 of the submissions does not count toward it. Last evaluated 2022-10-05.

Conditions:
Bloom syndrome (BLM). Also called: Bloom-Torre-Machacek syndrome. Identifiers: Orphanet 125, MedGen C0005859, MONDO:0008876, OMIM 210900.

Submissions (2):

Labcorp Genetics (formerly Invitae), Labcorp
Classification: Uncertain significance for Bloom syndrome. Last evaluated: 2022-10-05. Review status: criteria provided, single submitter. Criteria: Invitae Variant Classification Sherloc (09022015). Collection method: clinical testing. Allele origin: germline.
Comment: This variant has not been reported in the literature in individuals affected with BLM-related conditions. This variant, c.228_233del, results in the deletion of 2 amino acid(s) of the BLM protein (p.Leu77_Pro78del), but otherwise preserves the integrity of the reading frame. This variant is not present in population databases (gnomAD no frequency). ClinVar contains an entry for this variant (Variation ID: 553890). Experimental studies and prediction algorithms are not available or were not evaluated, and the functional significance of this variant is currently unknown. In summary, the available evidence is currently insufficient to determine the role of this variant in disease. Therefore, it has been classified as a Variant of Uncertain Significance.

Counsyl
Classification: Uncertain significance for Bloom syndrome. Last evaluated: 2017-09-18. Review status: no assertion criteria provided. Collection method: clinical testing. Allele origin: unknown. Not counted in ClinVar's aggregate classification.

NM_000057.4(BLM):c.228_233del (p.Leu77_Pro78del)

Gene: BLM (BLM RecQ like helicase; plus strand). Cytogenetic location: 15q26.1.
Variant type: Deletion.
Coding change: c.228_233del on transcript NM_000057.4 (MANE Select); coding-DNA positions 228 to 233, 6 bases deleted (TCTACC; older notation c.228_233delTCTACC).
Protein change: p.Leu77_Pro78del.
Molecular consequence: inframe deletion. On other transcripts: 5 prime UTR variant (1).
Genome position (GRCh38, 1-based): chr15:90,749,496-90,749,501, TCTACC deleted; deleting any 6 consecutive bases within chr15:90,749,493-90,749,501 gives the same sequence; the c. name uses the placement nearest the transcript's 3' end. VCF-style (leftmost placement, unchanged base first): chr15-90749492-AACCTCT-A. GRCh37 (hg19) VCF-style: chr15-91292722-AACCTCT-A.
Other names: c.228_233del (LRG_20t1); c.228_233del, p.Leu77_Pro78del (NM_001287246.2, NM_001287247.2); c.-1064_-1059del (NM_001287248.2).
Identifiers: ClinVar variation 553890 (VCV000553890.7), dbSNP rs1555418278, ClinGen allele CA658824600.